The following is an entry in ClinVar:

ClinVar aggregate classification (germline): Pathogenic/Likely pathogenic. Review status: criteria provided, multiple submitters, no conflicts (2 of 4 stars). 3 submissions from 3 submitters: Pathogenic (2); Likely pathogenic (1). Last evaluated 2024-02-25.

Conditions:
Combined immunodeficiency with skin granulomas. Identifiers: Orphanet 157949, MedGen C2673536, MONDO:0009306, OMIM 233650.
Severe combined immunodeficiency, autosomal recessive, T cell-negative, B cell-negative, NK cell-positive. Also called: SCID, T CELL-NEGATIVE, B CELL-NEGATIVE, NK CELL-POSITIVE; Severe combined immunodeficiency due to complete RAG1/2 deficiency; SCID, AR, T-cell negative, B-cell negative, NK cell-positive. Identifiers: Orphanet 331206, MedGen C1832322, MONDO:0011086, OMIM 601457.
Histiocytic medullary reticulosis. Also called: Omenn syndrome; SEVERE COMBINED IMMUNODEFICIENCY WITH HYPEREOSINOPHILIA. Identifiers: Orphanet 39041, MedGen C2700553, MONDO:0011338, OMIM 603554.
Combined immunodeficiency due to partial RAG1 deficiency. Identifiers: Orphanet 231154, MedGen C1835931, MONDO:0012359, OMIM 609889.

Submissions (3):

Labcorp Genetics (formerly Invitae), Labcorp
Classification: Pathogenic for Combined immunodeficiency with skin granulomas; Severe combined immunodeficiency, autosomal recessive, T cell-negative, B cell-negative, NK cell-positive. Last evaluated: 2024-02-25. Review status: criteria provided, single submitter. Criteria: Invitae Variant Classification Sherloc (09022015). Collection method: clinical testing. Allele origin: germline.
Comment: This sequence change creates a premature translational stop signal (p.Ile950Metfs*28) in the RAG1 gene. While this is not anticipated to result in nonsense mediated decay, it is expected to disrupt the last 94 amino acid(s) of the RAG1 protein. This variant is not present in population databases (gnomAD no frequency). This premature translational stop signal has been observed in individual(s) with severe combined immunodeficiency (PMID: 30778343). In at least one individual the data is consistent with being in trans (on the opposite chromosome) from a pathogenic variant. ClinVar contains an entry for this variant (Variation ID: 1323517). This variant disrupts a region of the RAG1 protein in which other variant(s) (p.Lys992Glu) have been determined to be pathogenic (PMID: 11313270, 18442948, 24290284). This suggests that this is a clinically significant region of the protein, and that variants that disrupt it are likely to be disease-causing. For these reasons, this variant has been classified as Pathogenic.

Baylor Genetics
Classification: Pathogenic for Combined immunodeficiency due to partial RAG1 deficiency. Last evaluated: 2023-07-07. Review status: criteria provided, single submitter. Criteria: ACMG Guidelines, 2015. Collection method: clinical testing. Allele origin: unknown.

Foundation for Research in Genetics and Endocrinology, FRIGE's Institute of Human Genetics
Classification: Likely pathogenic for Histiocytic medullary reticulosis. Last evaluated: 2022-04-05. Review status: criteria provided, single submitter. Criteria: ACMG Guidelines, 2015. Collection method: clinical testing. Allele origin: unknown. Inheritance: Autosomal recessive inheritance. Affected: yes. Observed: 1 heterozygote.
Comment: A heterozygous single base pair deletion in exon 2 of the RAG1 gene that results in frameshift and premature truncation of the protein 28 amino acid downstream to codon 950 was detected. The observed variant has not been reported in the 1000 genomes and gnomAD databases and has minor allele frequency of 0.008% in our internal database. The in silico prediction of the variant are possibly damaging by Mutation taster2. The reference codon is conserved across species. In summary, the variant meets out criteria to be classified as variant of likely pathogenic.

Literature cited by the submitters: PubMed 30778343 (cited by Labcorp Genetics (formerly Invitae), Labcorp); PubMed 11313270 (cited by Labcorp Genetics (formerly Invitae), Labcorp); PubMed 18442948 (cited by Labcorp Genetics (formerly Invitae), Labcorp); PubMed 24290284 (cited by Labcorp Genetics (formerly Invitae), Labcorp).

NM_000448.3(RAG1):c.2850del (p.Ile950fs)

Gene: RAG1 (recombination activating 1; plus strand). Cytogenetic location: 11p12.
Variant type: Deletion.
Coding change: c.2850del on transcript NM_000448.3 (MANE Select); coding-DNA position 2850, one base deleted (T; older notation c.2850delT).
Protein change: p.Ile950fs; shifts the reading frame from isoleucine 950.
Molecular consequence: frameshift variant.
Genome position (GRCh38, 1-based): chr11:36,576,154, T deleted; the last of 2 consecutive T bases (chr11:36,576,153-36,576,154); deleting either gives the same sequence. VCF-style (leftmost placement, unchanged base first): chr11-36576152-AT-A. GRCh37 (hg19) VCF-style: chr11-36597702-AT-A.
Other names: p.Ile950MetfsTer28; c.2850del, p.Ile950fs (NM_001377277.1, NM_001377278.1, NM_001377279.1 and 1 more transcripts); short protein forms I950fs.
Identifiers: ClinVar variation 1323517 (VCV001323517.8), dbSNP rs2133298263, ClinGen allele CA2573053498.
Genomic context (GRCh38, chr11:36,576,152, plus strand): 5'-AGGTATGAGGGAAAAATCACCAATTATTTTCACAAAACCCTGGCCCATGTTCCTGAAATT[AT>A]TGAGAGGGATGGCTCCATTGGGGCATGGGCAAGTGAGGGAAATGAGTCTGGTAACAAACT-3'